The following is an entry in ClinVar:

ClinVar aggregate classification (germline): Uncertain significance (1 of 4 stars; one submission).

Conditions:
Hereditary cancer-predisposing syndrome. Also called: Tumor predisposition; Neoplastic Syndromes, Hereditary; Hereditary neoplastic syndrome; Hereditary Cancer Syndrome. Identifiers: Orphanet 140162, MedGen C0027672, MeSH D009386, MONDO:0015356.

Submission:

Ambry Genetics
Classification: Uncertain significance for Hereditary cancer-predisposing syndrome. Last evaluated: 2024-07-02. Review status: criteria provided, single submitter. Criteria: Ambry Variant Classification Scheme 2023. Collection method: clinical testing. Allele origin: germline.
Comment: The p.L26V variant (also known as c.76C>G), located in coding exon 2 of the SDHAF2 gene, results from a C to G substitution at nucleotide position 76. The leucine at codon 26 is replaced by valine, an amino acid with highly similar properties. This amino acid position is conserved. In addition, this alteration is predicted to be tolerated by in silico analysis. Based on the available evidence, the clinical significance of this variant remains unclear.

NM_017841.4(SDHAF2):c.76C>G (p.Leu26Val)

Gene: SDHAF2 (succinate dehydrogenase complex assembly factor 2; plus strand). Cytogenetic location: 11q12.2.
Variant type: single nucleotide variant.
Coding change: c.76C>G on transcript NM_017841.4 (MANE Select); coding-DNA position 76, C replaced by G.
Protein change: p.Leu26Val; replaces leucine 26 with valine.
Molecular consequence: missense variant.
Genome position (GRCh38, 1-based): chr11:61,437,664, C>G. VCF-style: chr11-61437664-C-G. GRCh37 (hg19) VCF-style: chr11-61205136-C-G.
Other names: short protein forms L26V.
Identifiers: ClinVar variation 3438725 (VCV003438725.1).
Genomic context (GRCh38, chr11:61,437,664, plus strand): 5'-TTTGTGGTTTGTTCATTTCAGATGCTTGCTCTGTCAAGGCACAGCCTATTGTCTCCTTTG[C>G]TCAGTGTGACATCATTCAGACGCTTCTACAGAGGTGACAGCCCAACAGATTCCCAAAAGG-3'
Protein context (NP_060311.1, residues 16-36): LSRHSLLSPL[Leu26Val]SVTSFRRFYR